The following is an entry in ClinVar:

NM_138691.3(TMC1):c.1750C>T (p.Gln584Ter)

Gene: TMC1 (transmembrane channel like 1; plus strand). Cytogenetic location: 9q21.13.
Variant type: single nucleotide variant.
Coding change: c.1750C>T on transcript NM_138691.3 (MANE Select); coding-DNA position 1750, C replaced by T.
Protein change: p.Gln584Ter; replaces glutamine 584 with a stop codon.
Molecular consequence: nonsense.
Genome position (GRCh38, 1-based): chr9:72,816,197, C>T. VCF-style: chr9-72816197-C-T. GRCh37 (hg19) VCF-style: chr9-75431113-C-T.
Other names: short protein forms Q584*.
Identifiers: ClinVar variation 1799539 (VCV001799539.6), dbSNP rs758288878, ClinGen allele CA373668437.

ClinVar aggregate classification (germline): Pathogenic/Likely pathogenic. Review status: criteria provided, multiple submitters, no conflicts (2 of 4 stars). 2 submissions from 2 submitters: Pathogenic (1); Likely pathogenic (1). Last evaluated 2023-05-08.

Conditions:
Autosomal recessive nonsyndromic hearing loss 7. Also called: DEAFNESS, AUTOSOMAL RECESSIVE 11. Identifiers: Orphanet 90636, MedGen C1832978, MONDO:0010967, OMIM 600974.

Allele frequency attached by ClinVar (database versions not stated): TOPMed below 0.00001; gnomAD 0.00001.

Submissions (2):

Labcorp Genetics (formerly Invitae), Labcorp
Classification: Pathogenic. Last evaluated: 2023-05-08. Review status: criteria provided, single submitter. Criteria: Invitae Variant Classification Sherloc (09022015). Collection method: clinical testing. Allele origin: germline.
Comment: This sequence change creates a premature translational stop signal (p.Gln584*) in the TMC1 gene. It is expected to result in an absent or disrupted protein product. Loss-of-function variants in TMC1 are known to be pathogenic (PMID: 11850618, 22105175). This variant is not present in population databases (gnomAD no frequency). This variant has not been reported in the literature in individuals affected with TMC1-related conditions. ClinVar contains an entry for this variant (Variation ID: 1799539). Algorithms developed to predict the effect of sequence changes on RNA splicing suggest that this variant may disrupt the consensus splice site. For these reasons, this variant has been classified as Pathogenic.

The Shared Resource Centre "Genome", Research Centre for Medical Genetics
Classification: Likely pathogenic for Autosomal recessive nonsyndromic hearing loss 7. Last evaluated: 2022-11-10. Review status: criteria provided, single submitter. Criteria: ACMG Guidelines, 2015. Collection method: clinical testing. Allele origin: germline. Affected: yes. Observed: 1 variant allele.

Literature cited by the submitters: PubMed 11850618 (cited by Labcorp Genetics (formerly Invitae), Labcorp); PubMed 22105175 (cited by Labcorp Genetics (formerly Invitae), Labcorp).